The following is an entry in ClinVar:

NC_000012.11:g.(?_52308317)_(52322674_?)del

Gene: ACVRL1 (activin A receptor like type 1; plus strand). Cytogenetic location: 12q13.13.
Variant type: Deletion.
Identifiers: ClinVar variation 3244311 (VCV003244311.1).

ClinVar aggregate classification (germline): Pathogenic (1 of 4 stars; one submission).

Conditions:
Telangiectasia, hereditary hemorrhagic, type 2 (HHT2). Also called: ACVRL1-Related Hereditary Hemorrhagic Telangiectasia; Telangiectasia, hereditary hemorrhagic, type II. Identifiers: Orphanet 774, MedGen C1838163, MONDO:0010880, OMIM 600376. Disease mechanism: loss of function.

Submission:

Labcorp Genetics (formerly Invitae), Labcorp
Classification: Pathogenic for Telangiectasia, hereditary hemorrhagic, type 2. Last evaluated: 2023-12-10. Review status: criteria provided, single submitter. Criteria: Invitae Variant Classification Sherloc (09022015). Collection method: clinical testing. Allele origin: unknown.
Comment: This variant results in the deletion of exons 7-10 and part of exon 6 (c.720_*7997del) of the ACVRL1 gene. While this deletion is not anticipated to lead to nonsense mediated decay, it is expected to alter mRNA translation or result in a truncated protein product. This variant has not been reported in the literature in individuals affected with ACVRL1-related conditions. This variant disrupts a region of the ACVRL1 protein in which other variant(s) (p.Thr277Lys) have been determined to be pathogenic (PMID: 20414677, 25970827; Invitae). This suggests that this is a clinically significant region of the protein, and that variants that disrupt it are likely to be disease-causing. For these reasons, this variant has been classified as Pathogenic.

Literature cited by the submitters: PubMed 20414677; PubMed 25970827.